The following is an entry in ClinVar:

ClinVar aggregate classification (germline): Uncertain significance (1 of 4 stars; one submission).

Allele frequency attached by ClinVar (database versions not stated): ESP Exome Variant Server 0.00017; gnomAD 0.00025; TOPMed 0.00040; ExAC 0.00028.
gnomAD v4.1: 696 of 1,613,778 alleles (0.043%); highest among the groups gnomAD compares: Non-Finnish European, 0.052%; no homozygotes.

Submission:

Labcorp Genetics (formerly Invitae), Labcorp
Classification: Uncertain significance. Last evaluated: 2026-01-22. Review status: criteria provided, single submitter. Criteria: Invitae Variant Classification Sherloc (09022015). Collection method: clinical testing. Allele origin: germline.
Comment: This sequence change replaces glutamine, which is neutral and polar, with proline, which is neutral and non-polar, at codon 41 of the SUCLG2 protein (p.Gln41Pro). This variant is present in population databases (rs199925153, gnomAD 0.05%), and has an allele count higher than expected for a pathogenic variant. This variant has not been reported in the literature in individuals affected with SUCLG2-related conditions. ClinVar contains an entry for this variant (Variation ID: 2758353). An algorithm developed to predict the effect of missense changes on protein structure and function (PolyPhen-2) suggests that this variant is likely to be disruptive. In summary, the available evidence is currently insufficient to determine the role of this variant in disease. Therefore, it has been classified as a Variant of Uncertain Significance.

NM_003848.4(SUCLG2):c.122A>C (p.Gln41Pro)

Gene: SUCLG2 (succinate-CoA ligase GDP-forming subunit beta; minus strand). Cytogenetic location: 3p14.1.
Variant type: single nucleotide variant.
Coding change: c.122A>C on transcript NM_003848.4 (MANE Select); coding-DNA position 122, A replaced by C.
Protein change: p.Gln41Pro; replaces glutamine 41 with proline.
Molecular consequence: missense variant.
Genome position (GRCh38, 1-based): chr3:67,609,559, T>G on the plus strand (A>C on the coding strand, the complement: SUCLG2 is on the minus strand). VCF-style: chr3-67609559-T-G. GRCh37 (hg19) VCF-style: chr3-67659983-T-G.
Other names: c.122A>C, p.Gln41Pro (NM_001177599.2); short protein forms Q41P.
Identifiers: ClinVar variation 2758353 (VCV002758353.3), dbSNP rs199925153, ClinGen allele CA2486136.